The following is an entry in ClinVar:

ClinVar aggregate classification (germline): Uncertain significance (1 of 4 stars; one submission).

Conditions:
Hereditary cancer-predisposing syndrome. Also called: Hereditary Cancer Syndrome; Hereditary neoplastic syndrome; Neoplastic Syndromes, Hereditary; Tumor predisposition. Identifiers: Orphanet 140162, MedGen C0027672, MeSH D009386, MONDO:0015356.

Submission:

Ambry Genetics
Classification: Uncertain significance for Hereditary cancer-predisposing syndrome. Last evaluated: 2021-02-16. Review status: criteria provided, single submitter. Criteria: Ambry Variant Classification Scheme 2023. Collection method: clinical testing. Allele origin: germline.
Comment: The c.1294_1306del13insA variant (also known as p.L432_L436delinsM), located in coding exon 9 of the ATM gene, results from an in-frame deletion of CTGTCTCCATTAC and insertion of A at nucleotide positions 1294 to 1306. This results in the removal of 5 amino acids and the insertion of a methionine residue at codons 432 to 436. This region is well conserved in available vertebrate species. In addition, this alteration is predicted to be deleterious by in silico analysis (Choi Y et al. PLoS ONE. 2012; 7(10):e46688). Since supporting evidence is limited at this time, the clinical significance of this alteration remains unclear.

NM_000051.4(ATM):c.1294_1306delinsA (p.Leu432_Leu436delinsMet)

Gene: ATM (ATM serine/threonine kinase; plus strand). Cytogenetic location: 11q22.3.
Variant type: Indel.
Coding change: c.1294_1306delinsA on transcript NM_000051.4 (MANE Select); coding-DNA positions 1294 to 1306, CTGTCTCCATTAC replaced by A.
Protein change: p.Leu432_Leu436delinsMet.
Molecular consequence: inframe indel.
Genome position (GRCh38, 1-based): chr11:108,250,759-108,250,771, CTGTCTCCATTAC replaced by A. VCF-style: chr11-108250759-CTGTCTCCATTAC-A. GRCh37 (hg19) VCF-style: chr11-108121486-CTGTCTCCATTAC-A.
Other names: c.1294_1306delinsA, p.Leu432_Leu436delinsMet (NM_001351834.2); c.1294_1306del13insA (NM_000051.3).
Identifiers: ClinVar variation 1769171 (VCV001769171.2), dbSNP rs2497240217, ClinGen allele CA2580083775.